The following is an entry in ClinVar:

ClinVar aggregate classification (germline): Uncertain significance (1 of 4 stars; one submission).

Conditions:
Ataxia-telangiectasia syndrome (AT). Also called: ATAXIA-TELANGIECTASIA, COMPLEMENTATION GROUP A; ATAXIA-TELANGIECTASIA, FRESNO VARIANT; LOUIS-BAR SYNDROME; Cerebello-oculocutaneous telangiectasia; Immunodeficiency with ataxia telangiectasia; Ataxia-telangiectasia, complementation group E. Identifiers: Orphanet 100, MedGen C0004135, MONDO:0008840, OMIM 208900.

Submission:

Labcorp Genetics (formerly Invitae), Labcorp
Classification: Uncertain significance for Ataxia-telangiectasia syndrome. Last evaluated: 2024-02-08. Review status: criteria provided, single submitter. Criteria: Invitae Variant Classification Sherloc (09022015). Collection method: clinical testing. Allele origin: germline.
Comment: This sequence change replaces glycine, which is neutral and non-polar, with alanine, which is neutral and non-polar, at codon 255 of the ATM protein (p.Gly255Ala). This variant is not present in population databases (gnomAD no frequency). This variant has not been reported in the literature in individuals affected with ATM-related conditions. An algorithm developed to predict the effect of missense changes on protein structure and function (PolyPhen-2) suggests that this variant is likely to be disruptive. In summary, the available evidence is currently insufficient to determine the role of this variant in disease. Therefore, it has been classified as a Variant of Uncertain Significance.

NM_000051.4(ATM):c.764G>C (p.Gly255Ala)

Gene: ATM (ATM serine/threonine kinase; plus strand). Cytogenetic location: 11q22.3.
Variant type: single nucleotide variant.
Coding change: c.764G>C on transcript NM_000051.4 (MANE Select); coding-DNA position 764, G replaced by C.
Protein change: p.Gly255Ala; replaces glycine 255 with alanine.
Molecular consequence: missense variant.
Genome position (GRCh38, 1-based): chr11:108,244,889, G>C. VCF-style: chr11-108244889-G-C. GRCh37 (hg19) VCF-style: chr11-108115616-G-C.
Other names: c.764G>C, p.Gly255Ala (NM_001351834.2); short protein forms G255A.
Identifiers: ClinVar variation 3639645 (VCV003639645.2).